The following is an entry in ClinVar:

ClinVar aggregate classification (germline): Uncertain significance (1 of 4 stars; one submission).

gnomAD v4.1: 10 of 1,614,130 alleles (0.00062%); highest among the groups gnomAD compares: Non-Finnish European, 0.00085%; no homozygotes.

Submission:

Labcorp Genetics (formerly Invitae), Labcorp
Classification: Uncertain significance. Last evaluated: 2025-10-17. Review status: criteria provided, single submitter. Criteria: Invitae Variant Classification Sherloc (09022015). Collection method: clinical testing. Allele origin: germline.
Comment: This sequence change replaces serine, which is neutral and polar, with arginine, which is basic and polar, at codon 46 of the EDNRA protein (p.Ser46Arg). This variant is present in population databases (rs776662697, gnomAD 0.002%). This variant has not been reported in the literature in individuals affected with EDNRA-related conditions. An algorithm developed to predict the effect of missense changes on protein structure and function (PolyPhen-2) suggests that this variant is likely to be tolerated. In summary, the available evidence is currently insufficient to determine the role of this variant in disease. Therefore, it has been classified as a Variant of Uncertain Significance.

NM_001957.4(EDNRA):c.136A>C (p.Ser46Arg)

Gene: EDNRA (endothelin receptor type A; plus strand). Cytogenetic location: 4q31.22.
Variant type: single nucleotide variant.
Coding change: c.136A>C on transcript NM_001957.4 (MANE Select); coding-DNA position 136, A replaced by C.
Protein change: p.Ser46Arg; replaces serine 46 with arginine.
Molecular consequence: missense variant. On other transcripts: non-coding transcript variant (1).
Genome position (GRCh38, 1-based): chr4:147,485,817, A>C. VCF-style: chr4-147485817-A-C. GRCh37 (hg19) VCF-style: chr4-148406969-A-C.
Other names: c.136A>C, p.Ser46Arg (NM_001166055.2, NM_001354797.2); short protein forms S46R.
Identifiers: ClinVar variation 4777931 (VCV004777931.1).